The following is an entry in ClinVar:

NM_012208.4(HARS2):c.607T>C (p.Leu203=)

Gene: HARS2 (histidyl-tRNA synthetase 2, mitochondrial; plus strand). Cytogenetic location: 5q31.3.
Variant type: single nucleotide variant.
Coding change: c.607T>C on transcript NM_012208.4 (MANE Select); coding-DNA position 607, T replaced by C.
Protein change: p.Leu203=; no amino-acid change (leucine 203 retained).
Molecular consequence: synonymous variant.
Genome position (GRCh38, 1-based): chr5:140,695,819, T>C. VCF-style: chr5-140695819-T-C. GRCh37 (hg19) VCF-style: chr5-140075404-T-C.
Other names: c.532T>C, p.Leu178= (NM_001278731.2); c.175T>C, p.Leu59= (NM_001278732.2); c.625T>C, p.Leu209= (NM_001363535.2); c.397T>C, p.Leu133= (NM_001363536.2).
Identifiers: ClinVar variation 798845 (VCV000798845.5), dbSNP rs181809358, ClinGen allele CA3444473.

ClinVar aggregate classification (germline): Likely benign. Review status: criteria provided, single submitter (1 of 4 stars). 2 submissions from 2 submitters: Likely benign (1). 1 of the submissions does not count toward it. Last evaluated 2018-12-26.

Conditions:
HARS2-related disorder. Also called: HARS2-related condition.

Allele frequency attached by ClinVar (database versions not stated): gnomAD 0.00002 and 0.00004; gnomAD exomes 0.00002 and 0.00010; TOPMed 0.00002; ExAC 0.00004; 1000 Genomes Project 30x 0.00031; 1000 Genomes Project 0.00040.
gnomAD v4.1: 32 of 1,612,066 alleles (0.002%); highest among the groups gnomAD compares: East Asian, 0.067%; no homozygotes.

Submissions (2):

Labcorp Genetics (formerly Invitae), Labcorp
Classification: Likely benign. Last evaluated: 2018-12-26. Review status: criteria provided, single submitter. Criteria: Invitae Variant Classification Sherloc (09022015). Collection method: clinical testing. Allele origin: germline.

PreventionGenetics, part of Exact Sciences
Classification: Likely benign for HARS2-related condition. Last evaluated: 2020-11-11. Review status: no assertion criteria provided. Collection method: clinical testing. Allele origin: germline. Not counted in ClinVar's aggregate classification.
Comment: This variant is classified as likely benign based on ACMG/AMP sequence variant interpretation guidelines (Richards et al. 2015 PMID: 25741868, with internal and published modifications).